The following is an entry in ClinVar:

ClinVar aggregate classification (germline): Pathogenic (1 of 4 stars; one submission).

Conditions:
Usher syndrome. Also called: Usher's syndrome; Usher Syndromes. Identifiers: Orphanet 886, MedGen CN469326, MeSH D052245, MONDO:0019501. Disease mechanism: loss of function.

Submission:

Laboratory for Molecular Medicine, Mass General Brigham Personalized Medicine
Classification: Pathogenic for Usher syndrome. Last evaluated: 2018-03-07. Review status: criteria provided, single submitter. Criteria: LMM Criteria. Collection method: clinical testing. Allele origin: germline. Inheritance: Autosomal recessive inheritance.
Comment: It was absent from large population studies. This deletion is predicted to cause a frameshift, resulting in a truncated or absent protein. Loss of function of the USH2A gene is an established disease mechanism in Usher syndrome. In summary, this variant meets criteria to be classified as pathogenic for autosomal recessive Usher syndrome.

NM_206933.2(USH2A):c.4396+6857_6486-425del

Genes: USH2A (usherin; minus strand), USH2A-AS2 (USH2A antisense RNA 2; plus strand), LOC126806009 (MED14-independent group 3 enhancer GRCh37_chr1:216230868-216232067; plus strand). Cytogenetic location: 1q41.
Variant type: Deletion.
Coding change: c.4396+6857_6486-425del on transcript NM_206933.2; 6857 bases into the intron after coding-DNA position 4396 through 425 bases into the intron before coding-DNA position 6486, this stretch deleted.
Identifiers: ClinVar variation 503556 (VCV000503556.4).